The following is an entry in ClinVar:

ClinVar aggregate classification (germline): Uncertain significance (1 of 4 stars; one submission).

Allele frequency attached by ClinVar (database versions not stated): gnomAD exomes 0.00001; TOPMed 0.00001; gnomAD 0.00003.
gnomAD v4.1: 16 of 1,614,066 alleles (0.00099%); highest among the groups gnomAD compares: Middle Eastern, 0.016%; no homozygotes.

Submission:

Biesecker Lab/Clinical Genomics Section, National Institutes of Health
Classification: Uncertain significance. Last evaluated: 2013-06-24. Review status: criteria provided, single submitter. Criteria: Ng et al. (Circ Cardiovasc Genet. 2013). Collection method: research. Allele origin: unknown. Observed: 1 variant allele. Study: ClinSeq.
Comment: The study set was not selected for affection status in relation to any cancer. Pathogenicity categories were based on literature curation. See Pubmed ID:23861362 for details.

Medical sequencing

NM_001032283.3(TMPO):c.1177A>G (p.Lys393Glu)

Gene: TMPO (thymopoietin; plus strand). Cytogenetic location: 12q23.1.
Variant type: single nucleotide variant.
Coding change: c.1177A>G on transcript NM_001032283.3 (MANE Select); coding-DNA position 1177, A replaced by G.
Protein change: p.Lys393Glu; replaces lysine 393 with glutamic acid.
Molecular consequence: missense variant.
Genome position (GRCh38, 1-based): chr12:98,547,670, A>G. VCF-style: chr12-98547670-A-G. GRCh37 (hg19) VCF-style: chr12-98941448-A-G.
Other names: c.850A>G, p.Lys284Glu (NM_001032284.3); c.1057A>G, p.Lys353Glu (NM_001307975.2); short protein forms K393E, K284E, K353E.
Identifiers: ClinVar variation 191798 (VCV000191798.1), dbSNP rs199545670, ClinGen allele CA237580.